The following is an entry in ClinVar:

NM_000275.3(OCA2):c.2339G>A (p.Gly780Asp)

Gene: OCA2 (OCA2 melanosomal transmembrane protein; minus strand). Cytogenetic location: 15q13.1.
Variant type: single nucleotide variant.
Coding change: c.2339G>A on transcript NM_000275.3 (MANE Select); coding-DNA position 2339, G replaced by A.
Protein change: p.Gly780Asp; replaces glycine 780 with aspartic acid.
Molecular consequence: missense variant.
Genome position (GRCh38, 1-based): chr15:27,845,052, C>T on the plus strand (G>A on the coding strand, the complement: OCA2 is on the minus strand). VCF-style: chr15-27845052-C-T. GRCh37 (hg19) VCF-style: chr15-28090198-C-T.
Other names: c.2267G>A, p.Gly756Asp (NM_001300984.2); short protein forms G780D, G756D.
Identifiers: ClinVar variation 436090 (VCV000436090.38), dbSNP rs141949212, ClinGen allele CA7438605.

ClinVar aggregate classification (germline): Pathogenic/Likely pathogenic. Review status: criteria provided, multiple submitters, no conflicts (2 of 4 stars). 15 submissions from 15 submitters: Pathogenic (8); Likely pathogenic (6). 1 of the submissions does not count toward it. Last evaluated 2025-11-11.

Conditions:
OCA2-related disorder. Also called: OCA2-related condition.
Oculocutaneous albinism. Identifiers: Orphanet 55, MedGen C0078918, MONDO:0018910.
Inborn genetic diseases. Identifiers: MedGen C0950123, MeSH D030342.
Tyrosinase-positive oculocutaneous albinism (OCA2). Also called: Albinism, oculocutaneous, type II; Oculocutaneous albinism type 2; ALBINISM II. Identifiers: Orphanet 79432, MedGen C0268495, MONDO:0008746, OMIM 203200.
SKIN/HAIR/EYE PIGMENTATION 1, BLUE/NONBLUE EYES (SHEP1). Also called: SKIN/HAIR/EYE PIGMENTATION 1, BLOND/BROWN HAIR; SKIN/HAIR/EYE PIGMENTATION 1, BLUE/BROWN EYES; BROWN EYE COLOR 2; EYE COLOR 3; EYE COLOR, BLUE/NONBLUE; EYE COLOR, BROWN/BLUE. Identifiers: MedGen C1856895, OMIM 227220.
Albinism. Identifiers: MedGen C0001916, MONDO:0043209, HP:0001022.

Allele frequency attached by ClinVar (database versions not stated): gnomAD exomes 0.00001 and 0.00004; ExAC 0.00003; ESP Exome Variant Server 0.00015; gnomAD 0.00019 and 0.00021; TOPMed 0.00019.
gnomAD v4.1: 51 of 1,612,808 alleles (0.0032%); highest among the groups gnomAD compares: African/African-American, 0.059%; no homozygotes.

Submissions (15):

Labcorp Genetics (formerly Invitae), Labcorp
Classification: Pathogenic. Last evaluated: 2025-11-11. Review status: criteria provided, single submitter. Criteria: Invitae Variant Classification Sherloc (09022015). Collection method: clinical testing. Allele origin: germline.
Comment: This sequence change replaces glycine, which is neutral and non-polar, with aspartic acid, which is acidic and polar, at codon 780 of the OCA2 protein (p.Gly780Asp). This variant is present in population databases (rs141949212, gnomAD 0.06%). This missense change has been observed in individual(s) with clinical features of ocular albinism and/or oculocutaneous albinism (PMID: 28041643, 28976636, 29345414; internal data). In at least one individual the data is consistent with being in trans (on the opposite chromosome) from a pathogenic variant. ClinVar contains an entry for this variant (Variation ID: 436090). An algorithm developed to predict the effect of missense changes on protein structure and function (PolyPhen-2) suggests that this variant is likely to be disruptive. For these reasons, this variant has been classified as Pathogenic.

PreventionGenetics, part of Exact Sciences
Classification: Pathogenic for OCA2-related condition. Last evaluated: 2025-10-07. Review status: criteria provided, single submitter. Criteria: ACMG Guidelines, 2015. Collection method: clinical testing. Allele origin: germline.
Comment: The OCA2 c.2339G>A variant is predicted to result in the amino acid substitution p.Gly780Asp. This variant has been reported in individuals with oculocutaneous albinism (Table S2, patient G004719, Carss et al. 2017. PubMed ID: 28041643; Marti et al. 2018. PubMed ID: 28976636; Table S3, Lasseaux et al. 2018. PubMed ID: 29345414). Additionally, at PreventionGenetics, we have identified this variant, along with a second pathogenic OCA2 variant in at least six unrelated patients with oculocutaneous albinism. This variant is present in 0.060% of alleles in individuals of African descent in gnomAD, and has been classified as likely pathogenic and pathogenic by numerous labs in ClinVar (Variation ID: 436090). Given the evidence, we interpret this variant as pathogenic.

GeneDx
Classification: Pathogenic. Last evaluated: 2025-05-20. Review status: criteria provided, single submitter. Criteria: GeneDx Variant Classification Process June 2021. Collection method: clinical testing. Allele origin: germline. Affected: yes.
Comment: In silico analysis supports that this missense variant has a deleterious effect on protein structure/function; This variant is associated with the following publications: (PMID: 28041643, 28976636, 32581362, 31589614, 34838614, 36098180, 38720644, 39201349, 29345414, 37650133, 38219857)

Fulgent Genetics
Classification: Pathogenic for Tyrosinase-positive oculocutaneous albinism; SKIN/HAIR/EYE PIGMENTATION 1, BLUE/NONBLUE EYES. Last evaluated: 2024-04-16. Review status: criteria provided, single submitter. Criteria: ACMG Guidelines, 2015. Collection method: clinical testing. Allele origin: germline.

Baylor Genetics
Classification: Pathogenic for SKIN/HAIR/EYE PIGMENTATION 1, BLUE/NONBLUE EYES. Last evaluated: 2024-03-04. Review status: criteria provided, single submitter. Criteria: ACMG Guidelines, 2015. Collection method: clinical testing. Allele origin: unknown.

Women's Health and Genetics/Laboratory Corporation of America, LabCorp
Classification: Pathogenic for Oculocutaneous albinism. Last evaluated: 2023-08-18. Review status: criteria provided, single submitter. Criteria: LabCorp Variant Classification Summary - May 2015. Collection method: clinical testing. Allele origin: germline.
Comment: Variant summary: OCA2 c.2339G>A (p.Gly780Asp) results in a non-conservative amino acid change in the encoded protein sequence. Five of five in-silico tools predict a damaging effect of the variant on protein function. Several computational tools predict a significant impact on normal splicing: Three predict the variant weakens the canonical 3' acceptor site. However, these predictions have yet to be confirmed by functional studies. The variant allele was found at a frequency of 4e-05 in 251398 control chromosomes (gnomAD). This frequency is not significantly higher than estimated for a pathogenic variant in OCA2 causing Oculocutaneous Albinism (4e-05 vs 0.0043), allowing no conclusion about variant significance. c.2339G>A has been reported in the literature in multiple bi-allelic individuals affected with Oculocutaneous Albinism (example: Lasseaux_OCA2_PCMR_2018). These data indicate that the variant is very likely to be associated with disease. The following publication has been ascertained in the context of this evaluation (PMID: 29345414). Ten submitters have cited clinical-significance assessments for this variant to ClinVar after 2014. All submitters classified the variant as pathogenic/likely pathogenic. Based on the evidence outlined above, the variant was classified as pathogenic.

3billion
Classification: Likely pathogenic for Tyrosinase-positive oculocutaneous albinism. Last evaluated: 2023-06-15. Review status: criteria provided, single submitter. Criteria: ACMG Guidelines, 2015. Collection method: clinical testing. Allele origin: germline. Affected: yes.
Comment: The variant is observed at an extremely low frequency in the gnomAD v2.1.1 dataset (total allele frequency: 0.006%). Predicted Consequence/Location: Missense variant In silico tool predictions suggest damaging effect of the variant on gene or gene product (REVEL: 0.90; 3Cnet: 0.90). Same nucleotide change resulting in same amino acid change has been previously reported as pathogenic/likely pathogenic with strong evidence (ClinVar ID: VCV000436090 /PMID: 28041643 /3billion dataset).A different missense change at the same codon (p.Gly780Ser) has been reported to be associated with OCA2 related disorder (PMID: 32741191). Therefore, this variant is classified as Likely pathogenic according to the recommendation of ACMG/AMP guideline.

Blueprint Genetics
Classification: Pathogenic for OCA2-related disorders. Last evaluated: 2022-12-02. Review status: criteria provided, single submitter. Criteria: ACMG Guidelines, 2015. Collection method: clinical testing. Allele origin: germline. Affected: yes. Observed: 5 variant alleles.

Greenwood Genetic Center Diagnostic Laboratories, Greenwood Genetic Center
Classification: Likely pathogenic for Tyrosinase-positive oculocutaneous albinism. Last evaluated: 2022-06-08. Review status: criteria provided, single submitter. Criteria: ACMG Guidelines, 2015. Collection method: clinical testing. Allele origin: germline. Affected: yes.
Comment: PM2, PM3_Strong, PP3

Genome-Nilou Lab
Classification: Likely pathogenic for Tyrosinase-positive oculocutaneous albinism. Last evaluated: 2021-11-07. Review status: criteria provided, single submitter. Criteria: ACMG Guidelines, 2015. Collection method: clinical testing. Allele origin: germline. Affected: no.

MGZ Medical Genetics Center
Classification: Likely pathogenic for Tyrosinase-positive oculocutaneous albinism. Last evaluated: 2021-08-24. Review status: criteria provided, single submitter. Criteria: ACMG Guidelines, 2015. Collection method: clinical testing. Allele origin: germline. Affected: yes. Observed: 1 variant allele.
Comment: ACMG criteria applied: PM3, PM5, PM2_SUP, PP3, PP4

Ambry Genetics
Classification: Pathogenic for Inborn genetic diseases. Last evaluated: 2018-05-03. Review status: criteria provided, single submitter. Criteria: Ambry exome assertion method (8-5-2015). Collection method: clinical testing. Allele origin: germline. Affected: yes. Observed: 1 variant allele.

Genetic Services Laboratory, University of Chicago
Classification: Likely pathogenic for Albinism, oculocutaneous, type II. Last evaluated: 2015-11-10. Review status: criteria provided, single submitter. Criteria: ACMG Guidelines, 2015. Collection method: clinical testing. Allele origin: germline. Affected: yes.

Laboratoire de Génétique Moléculaire, CHU Bordeaux
Classification: Likely pathogenic for Tyrosinase-positive oculocutaneous albinism. Review status: criteria provided, single submitter. Criteria: ACMG Guidelines, 2015. Collection method: clinical testing. Allele origin: germline. Affected: yes.

NIHR Bioresource Rare Diseases, University of Cambridge
Classification: Likely pathogenic for Albinism. Last evaluated: 2015-01-01. Review status: no assertion criteria provided. Collection method: research. Allele origin: unknown. Affected: yes. Observed: 1 variant allele. Not counted in ClinVar's aggregate classification.

Literature cited by the submitters: PubMed 28041643 (cited by 4 submitters); PubMed 28976636 (cited by Labcorp Genetics (formerly Invitae), Labcorp and Ambry Genetics); PubMed 29345414 (cited by 3 submitters); PubMed 32741191 (cited by 3billion).